The following is an entry in ClinVar:

NM_003458.4(BSN):c.3468del (p.Thr1157fs)

Gene: BSN (bassoon presynaptic cytomatrix protein; plus strand). Cytogenetic location: 3p21.31.
Variant type: Deletion.
Coding change: c.3468del on transcript NM_003458.4 (MANE Select); coding-DNA position 3468, one base deleted (C; older notation c.3468delC).
Protein change: p.Thr1157fs; shifts the reading frame from threonine 1157.
Molecular consequence: frameshift variant.
Genome position (GRCh38, 1-based): chr3:49,653,024, C deleted; the last of 3 consecutive C bases (chr3:49,653,022-49,653,024); deleting any one gives the same sequence. VCF-style (leftmost placement, unchanged base first): chr3-49653021-GC-G. GRCh37 (hg19) VCF-style: chr3-49690454-GC-G.
Other names: short protein forms T1157fs.
Identifiers: ClinVar variation 4883888 (VCV004883888.2).

ClinVar aggregate classification (germline): Uncertain significance (1 of 4 stars; one submission).

Submission:

Dasa
Classification: Uncertain significance. Last evaluated: 2025-04-01. Review status: criteria provided, single submitter. Criteria: DASA Assertion Criteria. Collection method: clinical testing. Allele origin: germline.
Comment: NM_003458.4(BSN):c.3468del (p.Thr1157Profs*35) is a frameshift variant in BSN predicted to alter the reading frame and introduce a premature termination codon. This variant is absent from population databases. The currently available literature and clinical evidence are not sufficient to establish a definitive association between this variant and the reported condition. Therefore, this variant is classified as a variant of uncertain significance.